The following is an entry in ClinVar:

ClinVar aggregate classification (germline): Conflicting classifications of pathogenicity. Review status: criteria provided, conflicting classifications (1 of 4 stars). 3 submissions from 3 submitters: Uncertain significance (2); Likely benign (1). Last evaluated 2025-08-03.

Conditions:
Arrhythmogenic right ventricular dysplasia 13. Also called: ARRHYTHMOGENIC RIGHT VENTRICULAR CARDIOMYOPATHY 13; Arrhythmogenic right ventricular dysplasia, familial, 13. Identifiers: MedGen C3810138, MONDO:0000908, OMIM 615616.

Allele frequency attached by ClinVar (database versions not stated): gnomAD 0.00001; TOPMed 0.00003; ExAC 0.00005; gnomAD exomes 0.00006; 1000 Genomes Project 30x 0.00016; 1000 Genomes Project 0.00020.
gnomAD v4.1: 60 of 1,613,694 alleles (0.0037%); highest among the groups gnomAD compares: South Asian, 0.03%; 1 homozygote.

Submissions (3):

Labcorp Genetics (formerly Invitae), Labcorp
Classification: Uncertain significance for Arrhythmogenic right ventricular dysplasia 13. Last evaluated: 2025-08-03. Review status: criteria provided, single submitter. Criteria: Invitae Variant Classification Sherloc (09022015). Collection method: clinical testing. Allele origin: germline.
Comment: This sequence change replaces alanine, which is neutral and non-polar, with valine, which is neutral and non-polar, at codon 139 of the CTNNA3 protein (p.Ala139Val). This variant is present in population databases (rs528701683, gnomAD 0.03%), and has an allele count higher than expected for a pathogenic variant. This variant has not been reported in the literature in individuals affected with CTNNA3-related conditions. ClinVar contains an entry for this variant (Variation ID: 1431595). Invitae Evidence Modeling of protein sequence and biophysical properties (such as structural, functional, and spatial information, amino acid conservation, physicochemical variation, residue mobility, and thermodynamic stability) indicates that this missense variant is expected to disrupt CTNNA3 protein function with a positive predictive value of 80%. In summary, the available evidence is currently insufficient to determine the role of this variant in disease. Therefore, it has been classified as a Variant of Uncertain Significance.

Ambry Genetics
Classification: Uncertain significance. Last evaluated: 2025-03-23. Review status: criteria provided, single submitter. Criteria: Ambry Variant Classification Scheme 2023. Collection method: clinical testing. Allele origin: germline.
Comment: The p.A139V variant (also known as c.416C>T), located in coding exon 3 of the CTNNA3 gene, results from a C to T substitution at nucleotide position 416. The alanine at codon 139 is replaced by valine, an amino acid with similar properties. This amino acid position is conserved. In addition, the in silico prediction for this alteration is inconclusive. Since supporting evidence is limited at this time, the clinical significance of this alteration remains unclear.

Blueprint Genetics
Classification: Likely benign. Last evaluated: 2024-09-08. Review status: criteria provided, single submitter. Criteria: ACMG Guidelines, 2015. Collection method: clinical testing. Allele origin: germline.

NM_013266.4(CTNNA3):c.416C>T (p.Ala139Val)

Gene: CTNNA3 (catenin alpha 3; minus strand). Cytogenetic location: 10q21.3.
Variant type: single nucleotide variant.
Coding change: c.416C>T on transcript NM_013266.4 (MANE Select); coding-DNA position 416, C replaced by T.
Protein change: p.Ala139Val; replaces alanine 139 with valine.
Molecular consequence: missense variant.
Genome position (GRCh38, 1-based): chr10:67,539,546, G>A on the plus strand (C>T on the coding strand, the complement: CTNNA3 is on the minus strand). VCF-style: chr10-67539546-G-A. GRCh37 (hg19) VCF-style: chr10-69299304-G-A.
Other names: c.416C>T, p.Ala139Val (NM_001127384.3); c.452C>T, p.Ala151Val (NM_001291133.2); short protein forms A139V, A151V.
Identifiers: ClinVar variation 1431595 (VCV001431595.13), dbSNP rs528701683, ClinGen allele CA5520630.